The following is an entry in ClinVar:

NM_020975.6(RET):c.3177C>G (p.Asn1059Lys)

Gene: RET (ret proto-oncogene; plus strand). Cytogenetic location: 10q11.21.
Variant type: single nucleotide variant.
Coding change: c.3177C>G on transcript NM_020975.6 (MANE Select); coding-DNA position 3177, C replaced by G.
Protein change: p.Asn1059Lys; replaces asparagine 1059 with lysine.
Molecular consequence: missense variant.
Genome position (GRCh38, 1-based): chr10:43,126,712, C>G. VCF-style: chr10-43126712-C-G. GRCh37 (hg19) VCF-style: chr10-43622160-C-G.
Other names: c.3177C>G, p.Asn1059Lys (NM_000323.2, NM_001406743.1, NM_001406744.1 and 2 more transcripts); c.2415C>G, p.Asn805Lys (NM_001355216.2); c.3048C>G, p.Asn1016Lys (NM_001406761.1, NM_001406762.1, NM_001406764.1); c.3042C>G, p.Asn1014Lys (NM_001406763.1, NM_001406765.1); c.2889C>G, p.Asn963Lys (NM_001406766.1, NM_001406767.1, NM_001406770.1); c.2913C>G, p.Asn971Lys (NM_001406768.1); c.2781C>G, p.Asn927Lys (NM_001406769.1, NM_001406772.1); c.2739C>G, p.Asn913Lys (NM_001406771.1, NM_001406773.1); and 10 more; short protein forms N1059K, N805K, N1016K, N720K, N729K, N913K, N971K, N664K.
Identifiers: ClinVar variation 405548 (VCV000405548.15), dbSNP rs1014122393, ClinGen allele CA16613097.

ClinVar aggregate classification (germline): Uncertain significance. Review status: criteria provided, multiple submitters, no conflicts (2 of 4 stars). 4 submissions from 4 submitters: Uncertain significance (4). Last evaluated 2025-11-21.

Conditions:
Hereditary cancer-predisposing syndrome. Also called: Neoplastic Syndromes, Hereditary; Tumor predisposition; Hereditary Cancer Syndrome; Hereditary neoplastic syndrome. Identifiers: Orphanet 140162, MedGen C0027672, MeSH D009386, MONDO:0015356.
Multiple endocrine neoplasia, type 2 (MEN2). Identifiers: Orphanet 653, MedGen C4048306, MONDO:0019003. Disease mechanism: gain of function.

gnomAD v4.1: 4 of 1,613,964 alleles (0.00025%); highest among the groups gnomAD compares: East Asian, 0.0022%; no homozygotes.

Submissions (4):

Labcorp Genetics (formerly Invitae), Labcorp
Classification: Uncertain significance for Multiple endocrine neoplasia, type 2. Last evaluated: 2025-11-21. Review status: criteria provided, single submitter. Criteria: Invitae Variant Classification Sherloc (09022015). Collection method: clinical testing. Allele origin: germline.
Comment: This sequence change replaces asparagine, which is neutral and polar, with lysine, which is basic and polar, at codon 1059 of the RET protein (p.Asn1059Lys). This variant is not present in population databases (gnomAD no frequency). This missense change has been observed in individual(s) with Hirschsprung disease (PMID: 15744028). ClinVar contains an entry for this variant (Variation ID: 405548). An algorithm developed to predict the effect of missense changes on protein structure and function (PolyPhen-2) suggests that this variant is likely to be disruptive. In summary, the available evidence is currently insufficient to determine the role of this variant in disease. Therefore, it has been classified as a Variant of Uncertain Significance.

Ambry Genetics
Classification: Uncertain significance for Hereditary cancer-predisposing syndrome. Last evaluated: 2025-02-23. Review status: criteria provided, single submitter. Criteria: Ambry Variant Classification Scheme 2023. Collection method: clinical testing. Allele origin: germline.
Comment: The p.N1059K variant (also known as c.3177C>G), located in coding exon 19 of the RET gene, results from a C to G substitution at nucleotide position 3177. The asparagine at codon 1059 is replaced by lysine, an amino acid with similar properties. This amino acid position is conserved. In addition, the in silico prediction for this alteration is inconclusive. Since supporting evidence is limited at this time, the clinical significance of this alteration remains unclear.

Quest Diagnostics Nichols Institute San Juan Capistrano
Classification: Uncertain significance. Last evaluated: 2024-10-17. Review status: criteria provided, single submitter. Criteria: Quest Diagnostics criteria. Collection method: clinical testing. Allele origin: unknown.
Comment: The RET c.3177C>G (p.Asn1059Lys) variant has not been reported in individuals with RET-related conditions in the published literature. It also has not been reported in large, multi-ethnic general populations (Genome Aggregation Database). Analysis of this variant using bioinformatics tools for the prediction of the effect of amino acid changes on protein structure and function yielded predictions that this variant is damaging. Based on the available information, we are unable to determine the clinical significance of this variant.

Blueprint Genetics
Classification: Uncertain significance. Last evaluated: 2023-07-19. Review status: criteria provided, single submitter. Criteria: ACMG Guidelines, 2015. Collection method: clinical testing. Allele origin: germline.

Literature cited by the submitters: PubMed 15744028 (cited by Labcorp Genetics (formerly Invitae), Labcorp).